The following is an entry in ClinVar:

ClinVar aggregate classification (germline): Uncertain significance (1 of 4 stars; one submission).

Conditions:
Hereditary breast ovarian cancer syndrome. Also called: Hereditary breast and/or ovarian cancer syndrome; BRCA1- and BRCA2-Associated Hereditary Breast and Ovarian Cancer; Hereditary breast and ovarian cancer syndrome; Hereditary breast and ovarian cancer; Hereditary breast and ovarian cancer syndrome (HBOC); Breast and ovarian cancer. Identifiers: Orphanet 145, MedGen C0677776, MeSH D061325, MONDO:0003582. Disease mechanism: loss of function.

Submissions (2):

Labcorp Genetics (formerly Invitae), Labcorp
Classification: Uncertain significance for Hereditary breast ovarian cancer syndrome. Last evaluated: 2022-06-21. Review status: criteria provided, single submitter. Criteria: Invitae Variant Classification Sherloc (09022015). Collection method: clinical testing. Allele origin: germline.
Comment: This sequence change replaces histidine, which is basic and polar, with asparagine, which is neutral and polar, at codon 1732 of the BRCA1 protein (p.His1732Asn). In summary, the available evidence is currently insufficient to determine the role of this variant in disease. Therefore, it has been classified as a Variant of Uncertain Significance. Experimental studies have shown that this missense change does not substantially affect BRCA1 function (PMID: 30209399). Algorithms developed to predict the effect of missense changes on protein structure and function (SIFT, PolyPhen-2, Align-GVGD) all suggest that this variant is likely to be tolerated. ClinVar contains an entry for this variant (Variation ID: 867500). This variant has not been reported in the literature in individuals affected with BRCA1-related conditions. This variant is not present in population databases (gnomAD no frequency).

Brotman Baty Institute, University of Washington
No classification provided (evidence only). Condition: Breast-ovarian cancer, familial 1. Review status: no classification provided. Collection method: in vitro. Allele origin: not applicable. Functional consequence: functionally_normal. Not counted in ClinVar's aggregate classification.
ClinVar note: "not provided" was previously submitted as the classification for the variant. However, the classification appeared to be based only on an observation of functional data so it was converted to no classification on 2025-07-30.

Literature cited by the submitters: PubMed 30209399 (cited by Labcorp Genetics (formerly Invitae), Labcorp).

NM_007294.4(BRCA1):c.5194C>A (p.His1732Asn)

Gene: BRCA1 (BRCA1 DNA repair associated; minus strand). Cytogenetic location: 17q21.31.
Variant type: single nucleotide variant.
Coding change: c.5194C>A on transcript NM_007294.4 (MANE Select); coding-DNA position 5194, C replaced by A.
Protein change: p.His1732Asn; replaces histidine 1732 with asparagine.
Molecular consequence: missense variant. On other transcripts: non-coding transcript variant (1).
Genome position (GRCh38, 1-based): chr17:43,057,135, G>T on the plus strand (C>A on the coding strand, the complement: BRCA1 is on the minus strand). VCF-style: chr17-43057135-G-T. GRCh37 (hg19) VCF-style: chr17-41209152-G-T.
Other names: c.1501C>A, p.His501Asn (NM_001408511.1); c.1381C>A, p.His461Asn (NM_001408512.1); c.1354C>A, p.His452Asn (NM_001408513.1); c.958C>A, p.His320Asn (NM_001408514.1); c.5053C>A, p.His1685Asn (NM_007297.4, NM_001407692.1, NM_001407694.1 and 13 more transcripts); c.1882C>A, p.His628Asn (NM_007298.4, NM_007299.4, NM_007304.2 and 13 more transcripts); c.5257C>A, p.His1753Asn (NM_007300.4, NM_001407583.1, NM_001407585.1 and 1 more transcripts); c.4981C>A, p.His1661Asn (NM_001407571.1, NM_001407900.1, NM_001407902.1 and 12 more transcripts); and 72 more; short protein forms H1753N, H628N, H1685N, H1732N, H1563N, H1603N, H1642N, H1644N.
Identifiers: ClinVar variation 867500 (VCV000867500.8), dbSNP rs2051531560, ClinGen allele CA10591147.
Genomic context (GRCh38, chr17:43,057,135, plus strand): 5'-CTCGCTTTGGACCTTGGTGGTTTCTTCCATTGACCACATCTCCTCTGACTTCAAAATCAT[G>T]CTGAAAGAAACCAAACACAACCCATCAGGATAAGAGAAAGAGAAGCTTCCTTCAATGGAA-3'
Protein context (NP_009225.1, residues 1722-1742): SIKERKMLNE[His1732Asn]DFEVRGDVVN